The following is an entry in ClinVar:

NM_001203.3(BMPR1B):c.-18+1G>T

Gene: BMPR1B (bone morphogenetic protein receptor type 1B; plus strand). Cytogenetic location: 4q22.3.
Variant type: single nucleotide variant.
Coding change: c.-18+1G>T on transcript NM_001203.3 (MANE Select); the canonical splice donor site of the intron after 18 bases upstream of the start codon, G replaced by T.
Molecular consequence: splice donor variant. On other transcripts: 5 prime UTR variant (1).
Genome position (GRCh38, 1-based): chr4:94,996,135, G>T. VCF-style: chr4-94996135-G-T. GRCh37 (hg19) VCF-style: chr4-95917286-G-T.
Other names: c.-267G>T (NM_001256792.2).
Identifiers: ClinVar variation 906581 (VCV000906581.4), dbSNP rs761522559, ClinGen allele CA102299800.

ClinVar aggregate classification (germline): Likely benign (1 of 4 stars; one submission).

Conditions:
Brachydactyly. Also called: Brachydactyly (disease); Brachydactyly syndrome. Identifiers: MedGen C0221357, MONDO:0021004, HP:0001156.

Allele frequency attached by ClinVar (database versions not stated): TOPMed 0.00008 and 0.00006; gnomAD 0.00006.
gnomAD v4.1: 9 of 152,222 alleles (0.0059%); highest among the groups gnomAD compares: Non-Finnish European, 0.013%; no homozygotes.

Submission:

Illumina Laboratory Services, Illumina
Classification: Likely benign for Brachydactyly. Last evaluated: 2017-10-02. Review status: criteria provided, single submitter. Criteria: ICSL Variant Classification Criteria 13 December 2019. Collection method: clinical testing. Allele origin: germline.
Comment: This variant was observed in the ICSL laboratory as part of a predisposition screen in an ostensibly healthy population. It had not been previously curated by ICSL or reported in the Human Gene Mutation Database (HGMD: prior to June 1st, 2018), and was therefore a candidate for classification through an automated scoring system. Utilizing variant allele frequency, disease prevalence and penetrance estimates, and inheritance mode, an automated score was calculated to assess if this variant is too frequent to cause the disease. Based on the score and internal cut-off values, a variant classified as likely benign is not then subjected to further curation. The score for this variant resulted in a classification of likely benign for this disease.